The following is an entry in ClinVar:

ClinVar aggregate classification (germline): Benign. Review status: criteria provided, multiple submitters, no conflicts (2 of 4 stars). 2 submissions from 2 submitters: Benign (2). Last evaluated 2025-03-04.

Allele frequency attached by ClinVar (database versions not stated): ESP Exome Variant Server 0.00408; gnomAD 0.00545 and 0.00641; TOPMed 0.00654; 1000 Genomes Project 30x 0.01530; 1000 Genomes Project 0.01637.
gnomAD v4.1: 13,051 of 1,611,662 alleles (0.81%); highest among the groups gnomAD compares: East Asian, 5.1%; 136 homozygotes.

Submissions (2):

Center for Genomic Medicine, Rigshospitalet, Copenhagen University Hospital
Classification: Benign. Last evaluated: 2025-03-04. Review status: criteria provided, single submitter. Criteria: ACMG Guidelines, 2015. Collection method: clinical testing. Allele origin: germline.

GeneDx
Classification: Benign. Last evaluated: 2018-06-20. Review status: criteria provided, single submitter. Criteria: GeneDx Variant Classification (06012015). Collection method: clinical testing. Allele origin: germline. Affected: yes.
Comment: This variant is considered likely benign or benign based on one or more of the following criteria: it is a conservative change, it occurs at a poorly conserved position in the protein, it is predicted to be benign by multiple in silico algorithms, and/or has population frequency not consistent with disease.

NM_017849.4(TMEM127):c.409+45G>C

Gene: TMEM127 (transmembrane protein 127; minus strand). Cytogenetic location: 2q11.2.
Variant type: single nucleotide variant.
Coding change: c.409+45G>C on transcript NM_017849.4 (MANE Select); 45 bases into the intron after coding-DNA position 409, G replaced by C.
Molecular consequence: intron variant.
Genome position (GRCh38, 1-based): chr2:96,254,788, C>G on the plus strand (G>C on the coding strand, the complement: TMEM127 is on the minus strand). VCF-style: chr2-96254788-C-G. GRCh37 (hg19) VCF-style: chr2-96920526-C-G.
Other names: c.409+45G>C (NM_001193304.3).
Identifiers: ClinVar variation 677863 (VCV000677863.7), dbSNP rs140817879, ClinGen allele CA1777317.
Genomic context (GRCh38, chr2:96,254,788, plus strand): 5'-GAAGGGTGCCTGCTCAGAGAAACCAGAGCCCCCACCGGCAACTCAGACAGGATGCCCCCA[C>G]CCTGTAGCAGTTCCTCTCCCACTGTGAGCAGGCTCACGGCTTACCCGTTAGGATATGGGC-3'